The following is an entry in ClinVar:

ClinVar aggregate classification (germline): Uncertain significance. Review status: criteria provided, multiple submitters, no conflicts (2 of 4 stars). 2 submissions from 2 submitters: Uncertain significance (2). Last evaluated 2025-02-24.

Conditions:
Inborn genetic diseases. Identifiers: MedGen C0950123, MeSH D030342.

Allele frequency attached by ClinVar (database versions not stated): gnomAD exomes 0.00001; ExAC 0.00004; gnomAD 0.00002; TOPMed below 0.00001; ESP Exome Variant Server 0.00008.
gnomAD v4.1: 23 of 1,603,864 alleles (0.0014%); highest among the groups gnomAD compares: African/African-American, 0.0027%; no homozygotes.

Submissions (2):

Ambry Genetics
Classification: Uncertain significance for Inborn genetic diseases. Last evaluated: 2025-02-24. Review status: criteria provided, single submitter. Criteria: Ambry Variant Classification Scheme 2023. Collection method: clinical testing. Allele origin: germline.

Labcorp Genetics (formerly Invitae), Labcorp
Classification: Uncertain significance. Last evaluated: 2021-08-28. Review status: criteria provided, single submitter. Criteria: Invitae Variant Classification Sherloc (09022015). Collection method: clinical testing. Allele origin: germline.
Comment: This sequence change replaces alanine with valine at codon 491 of the PAX1 protein (p.Ala491Val). The alanine residue is weakly conserved and there is a small physicochemical difference between alanine and valine. This variant is present in population databases (rs375198418, ExAC 0.02%). This variant has not been reported in the literature in individuals affected with PAX1-related conditions. Algorithms developed to predict the effect of missense changes on protein structure and function output the following: SIFT: "Tolerated"; PolyPhen-2: "Benign"; Align-GVGD: "Class C0". The valine amino acid residue is found in multiple mammalian species, which suggests that this missense change does not adversely affect protein function. In summary, the available evidence is currently insufficient to determine the role of this variant in disease. Therefore, it has been classified as a Variant of Uncertain Significance.

NM_001257096.2(PAX1):c.*108C>T

Gene: PAX1 (paired box 1; plus strand). Cytogenetic location: 20p11.22.
Variant type: single nucleotide variant.
Coding change: c.*108C>T on transcript NM_001257096.2 (MANE Select); 108 bases downstream of the stop codon, C replaced by T.
Molecular consequence: 3 prime UTR variant. On other transcripts: missense variant (1).
Genome position (GRCh38, 1-based): chr20:21,714,670, C>T. VCF-style: chr20-21714670-C-T. GRCh37 (hg19) VCF-style: chr20-21695308-C-T.
Other names: c.1472C>T, p.Ala491Val (NM_006192.5); c.1472C>T (NM_006192.3); short protein forms A491V.
Identifiers: ClinVar variation 1346472 (VCV001346472.6), dbSNP rs375198418, ClinGen allele CA9786798.
Genomic context (GRCh38, chr20:21,714,670, plus strand): 5'-CGGGCGCACAGGTCTGCGCGGCGGCCCCGGCAATCGGCACGGGCAGGATCGGAGGACTCG[C>T]GGAGGAGGAAGCCAGTGCCGGCCCGCGGGGTGCACGCCCAGCCAGCCCCCAGGCCCAGCC-3'